The following is an entry in ClinVar:

NM_004281.4(BAG3):c.1552G>C (p.Asp518His)

Gene: BAG3 (BAG cochaperone 3; plus strand). Cytogenetic location: 10q26.11.
Variant type: single nucleotide variant.
Coding change: c.1552G>C on transcript NM_004281.4 (MANE Select); coding-DNA position 1552, G replaced by C.
Protein change: p.Asp518His; replaces aspartic acid 518 with histidine.
Molecular consequence: missense variant.
Genome position (GRCh38, 1-based): chr10:119,677,106, G>C. VCF-style: chr10-119677106-G-C. GRCh37 (hg19) VCF-style: chr10-121436618-G-C.
Other names: short protein forms D518H.
Identifiers: ClinVar variation 2925066 (VCV002925066.3), dbSNP rs768921901, ClinGen allele CA378297572.

ClinVar aggregate classification (germline): Uncertain significance (1 of 4 stars; one submission).

Conditions:
Myofibrillar myopathy 6. Identifiers: Orphanet 199340, MedGen C2751831, MONDO:0013061, OMIM 612954.
Dilated cardiomyopathy 1HH (CMD1HH). Identifiers: Orphanet 154, MedGen C3151293, MONDO:0013479, OMIM 613881.

Submission:

Labcorp Genetics (formerly Invitae), Labcorp
Classification: Uncertain significance for Dilated cardiomyopathy 1HH; Myofibrillar myopathy 6. Last evaluated: 2023-04-16. Review status: criteria provided, single submitter. Criteria: Invitae Variant Classification Sherloc (09022015). Collection method: clinical testing. Allele origin: germline.
Comment: This sequence change replaces aspartic acid, which is acidic and polar, with histidine, which is basic and polar, at codon 518 of the BAG3 protein (p.Asp518His). In summary, the available evidence is currently insufficient to determine the role of this variant in disease. Therefore, it has been classified as a Variant of Uncertain Significance. Advanced modeling of protein sequence and biophysical properties (such as structural, functional, and spatial information, amino acid conservation, physicochemical variation, residue mobility, and thermodynamic stability) performed at Invitae indicates that this missense variant is not expected to disrupt BAG3 protein function. This variant has not been reported in the literature in individuals affected with BAG3-related conditions. This variant is not present in population databases (gnomAD no frequency).